The following is an entry in ClinVar:

ClinVar aggregate classification (germline): Uncertain significance (1 of 4 stars; one submission).

Conditions:
DYRK1A-related intellectual disability syndrome (MRD7). Also called: Intellectual developmental disorder, autosomal dominant 7; DYRK1A Syndrome. Identifiers: Orphanet 464306, MedGen C5568143, MONDO:0013578, OMIM 614104.

Allele frequency attached by ClinVar (database versions not stated): gnomAD exomes below 0.00001 and 0.00001; TOPMed below 0.00001.
gnomAD v4.1: 5 of 1,614,018 alleles (0.00031%); highest among the groups gnomAD compares: Admixed American, 0.0017%; no homozygotes.

Submission:

Labcorp Genetics (formerly Invitae), Labcorp
Classification: Uncertain significance for DYRK1A-related intellectual disability syndrome. Last evaluated: 2023-04-15. Review status: criteria provided, single submitter. Criteria: Invitae Variant Classification Sherloc (09022015). Collection method: clinical testing. Allele origin: germline.
Comment: This variant is present in population databases (no rsID available, gnomAD 0.003%). In summary, the available evidence is currently insufficient to determine the role of this variant in disease. Therefore, it has been classified as a Variant of Uncertain Significance. An algorithm developed to predict the effect of missense changes on protein structure and function (PolyPhen-2) suggests that this variant is likely to be tolerated. ClinVar contains an entry for this variant (Variation ID: 842367). This variant has not been reported in the literature in individuals affected with DYRK1A-related conditions. This sequence change replaces asparagine, which is neutral and polar, with aspartic acid, which is acidic and polar, at codon 604 of the DYRK1A protein (p.Asn604Asp).

NM_001347721.2(DYRK1A):c.1783A>G (p.Asn595Asp)

Gene: DYRK1A (dual specificity tyrosine phosphorylation regulated kinase 1A; plus strand). Cytogenetic location: 21q22.13.
Variant type: single nucleotide variant.
Coding change: c.1783A>G on transcript NM_001347721.2 (MANE Select); coding-DNA position 1783, A replaced by G.
Protein change: p.Asn595Asp; replaces asparagine 595 with aspartic acid.
Molecular consequence: missense variant. On other transcripts: 3 prime UTR variant (2).
Genome position (GRCh38, 1-based): chr21:37,512,049, A>G. VCF-style: chr21-37512049-A-G. GRCh37 (hg19) VCF-style: chr21-38884352-A-G.
Other names: c.1783A>G, p.Asn595Asp (NM_001347722.2, NM_130436.2); c.1696A>G, p.Asn566Asp (NM_001347723.2); c.1810A>G, p.Asn604Asp (NM_001396.5); c.*186A>G (NM_101395.2); c.*95A>G (NM_130438.2); short protein forms N604D, N566D, N595D.
Identifiers: ClinVar variation 842367 (VCV000842367.10), dbSNP rs1468488019, ClinGen allele CA409939568.